The following is an entry in ClinVar:

ClinVar aggregate classification (germline): Uncertain significance. Review status: criteria provided, multiple submitters, no conflicts (2 of 4 stars). 2 submissions from 2 submitters: Uncertain significance (2). Last evaluated 2025-06-17.

Conditions:
Hereditary cancer-predisposing syndrome. Also called: Hereditary neoplastic syndrome; Neoplastic Syndromes, Hereditary; Tumor predisposition; Hereditary Cancer Syndrome. Identifiers: Orphanet 140162, MedGen C0027672, MeSH D009386, MONDO:0015356.
Parathyroid carcinoma (PRTC). Also called: CDC73-Related Parathyroid Carcinoma; Parathyroid gland carcinoma. Identifiers: Orphanet 143, MedGen C0687150, MONDO:0012004, OMIM 608266, HP:0006780.

gnomAD v4.1: 20 of 1,614,124 alleles (0.0012%); highest among the groups gnomAD compares: Non-Finnish European, 0.0017%; no homozygotes.

Submissions (2):

Labcorp Genetics (formerly Invitae), Labcorp
Classification: Uncertain significance for Parathyroid carcinoma. Last evaluated: 2025-06-17. Review status: criteria provided, single submitter. Criteria: Invitae Variant Classification Sherloc (09022015). Collection method: clinical testing. Allele origin: germline.
Comment: This sequence change replaces asparagine, which is neutral and polar, with tyrosine, which is neutral and polar, at codon 35 of the CDC73 protein (p.Asn35Tyr). This variant is not present in population databases (gnomAD no frequency). This variant has not been reported in the literature in individuals affected with CDC73-related conditions. ClinVar contains an entry for this variant (Variation ID: 3829889). Invitae Evidence Modeling of protein sequence and biophysical properties (such as structural, functional, and spatial information, amino acid conservation, physicochemical variation, residue mobility, and thermodynamic stability) indicates that this missense variant is not expected to disrupt CDC73 protein function with a negative predictive value of 80%. Algorithms developed to predict the effect of sequence changes on RNA splicing suggest that this variant may create or strengthen a splice site. In summary, the available evidence is currently insufficient to determine the role of this variant in disease. Therefore, it has been classified as a Variant of Uncertain Significance.

Ambry Genetics
Classification: Uncertain significance for Hereditary cancer-predisposing syndrome. Last evaluated: 2025-01-02. Review status: criteria provided, single submitter. Criteria: Ambry Variant Classification Scheme 2023. Collection method: clinical testing. Allele origin: germline.
Comment: The p.N35Y variant (also known as c.103A>T), located in coding exon 1 of the CDC73 gene, results from an A to T substitution at nucleotide position 103. The asparagine at codon 35 is replaced by tyrosine, an amino acid with dissimilar properties. This amino acid position is highly conserved in available vertebrate species. In addition, the in silico prediction for this alteration is inconclusive. Based on the available evidence, the clinical significance of this variant remains unclear.

NM_024529.5(CDC73):c.103A>T (p.Asn35Tyr)

Gene: CDC73 (cell division cycle 73; plus strand). Cytogenetic location: 1q31.2.
Variant type: single nucleotide variant.
Coding change: c.103A>T on transcript NM_024529.5 (MANE Select); coding-DNA position 103, A replaced by T.
Protein change: p.Asn35Tyr; replaces asparagine 35 with tyrosine.
Molecular consequence: missense variant.
Genome position (GRCh38, 1-based): chr1:193,122,303, A>T. VCF-style: chr1-193122303-A-T. GRCh37 (hg19) VCF-style: chr1-193091433-A-T.
Other names: short protein forms N35Y.
Identifiers: ClinVar variation 3829889 (VCV003829889.2).